The following is an entry in ClinVar:

NC_000009.11:g.(?_98240426)_(98242927_?)del

Gene: PTCH1 (patched 1; minus strand). Cytogenetic location: 9q22.32.
Variant type: Deletion.
Identifiers: ClinVar variation 3245056 (VCV003245056.1).

ClinVar aggregate classification (germline): Likely pathogenic (1 of 4 stars; one submission).

Conditions:
Gorlin syndrome. Also called: Basal cell nevus syndrome; Nevoid Basal Cell Carcinoma Syndrome. Identifiers: Orphanet 377, MedGen C0004779, MONDO:0007187.

Submission:

Labcorp Genetics (formerly Invitae), Labcorp
Classification: Likely pathogenic for Gorlin syndrome. Last evaluated: 2018-05-17. Review status: criteria provided, single submitter. Criteria: Invitae Variant Classification Sherloc (09022015). Collection method: clinical testing. Allele origin: unknown.
Comment: In summary, the currently available evidence indicates that the variant is pathogenic, but additional data are needed to prove that conclusively. Therefore, this variant has been classified as Likely Pathogenic. This variant is not present in population databases (ExAC no frequency). This variant is a gross deletion of the genomic region encompassing exons 6 to 8 and part of exon 9 (c.747-57_1258del)Ôªø¬†of the PTCH1 gene. It is expected to disrupt RNA splicing and likely results in an absent or disrupted protein product. Loss-of-function variants in PTCH1 are known to be pathogenic (PMID: 16301862, 16419085).

Literature cited by the submitters: PubMed 16301862; PubMed 16419085.